The following is an entry in ClinVar:

NM_000092.5(COL4A4):c.4546G>A (p.Val1516Ile)

Gene: COL4A4 (collagen type IV alpha 4 chain; minus strand). Cytogenetic location: 2q36.3.
Variant type: single nucleotide variant.
Coding change: c.4546G>A on transcript NM_000092.5 (MANE Select); coding-DNA position 4546, G replaced by A.
Protein change: p.Val1516Ile; replaces valine 1516 with isoleucine.
Molecular consequence: missense variant.
Genome position (GRCh38, 1-based): chr2:227,008,281, C>T on the plus strand (G>A on the coding strand, the complement: COL4A4 is on the minus strand). VCF-style: chr2-227008281-C-T. GRCh37 (hg19) VCF-style: chr2-227872997-C-T.
Other names: c.4546G>A (NM_000092.4); short protein forms V1516I.
Identifiers: ClinVar variation 1625431 (VCV001625431.12), dbSNP rs199517662, ClinGen allele CA2144124.

ClinVar aggregate classification (germline): Conflicting classifications of pathogenicity. Review status: criteria provided, conflicting classifications (1 of 4 stars). 4 submissions from 4 submitters: Uncertain significance (1); Likely benign (3). Last evaluated 2026-02-02.

Conditions:
Hematuria, benign familial, 1 (BFH1). Also called: THIN MEMBRANE NEPHROPATHY. Identifiers: MedGen CN376803, MONDO:0007709, OMIM 141200.
Autosomal recessive Alport syndrome (ATS2). Also called: COL4A4 Alport Syndrome and Thin Basement Membrane Nephropathy; COL4A3-Related Nephropathy; Alport syndrome type 2; ALPORT SYNDROME 2, AUTOSOMAL RECESSIVE. Identifiers: Orphanet 63, Orphanet 88919, MedGen C4746745, MONDO:0008762, OMIM 203780.

Allele frequency attached by ClinVar (database versions not stated): gnomAD 0.00003; TOPMed 0.00003; ExAC 0.00005; gnomAD exomes 0.00009; 1000 Genomes Project 0.00020; 1000 Genomes Project 30x 0.00062.
gnomAD v4.1: 31 of 1,614,198 alleles (0.0019%); highest among the groups gnomAD compares: East Asian, 0.047%; 1 homozygote.

Submissions (4):

Labcorp Genetics (formerly Invitae), Labcorp
Classification: Likely benign. Last evaluated: 2026-02-02. Review status: criteria provided, single submitter. Criteria: Invitae Variant Classification Sherloc (09022015). Collection method: clinical testing. Allele origin: germline.

GeneDx
Classification: Uncertain significance. Last evaluated: 2026-01-22. Review status: criteria provided, single submitter. Criteria: GeneDx Variant Classification Process June 2021. Collection method: clinical testing. Allele origin: germline.
Comment: In silico analysis suggests that this missense variant does not alter protein structure/function; Has not been previously published as pathogenic or benign to our knowledge

Fulgent Genetics
Classification: Likely benign for Hematuria, benign familial, 1; Autosomal recessive Alport syndrome. Last evaluated: 2024-06-18. Review status: criteria provided, single submitter. Criteria: ACMG Guidelines, 2015. Collection method: clinical testing. Allele origin: germline.

Blueprint Genetics
Classification: Likely benign. Last evaluated: 2022-06-28. Review status: criteria provided, single submitter. Criteria: ACMG Guidelines, 2015. Collection method: clinical testing. Allele origin: germline.